The following is an entry in ClinVar:

NM_001370259.2(MEN1):c.1576G>A (p.Ala526Thr)

Gene: MEN1 (menin 1; minus strand). Cytogenetic location: 11q13.1.
Variant type: single nucleotide variant.
Coding change: c.1576G>A on transcript NM_001370259.2 (MANE Select); coding-DNA position 1576, G replaced by A.
Protein change: p.Ala526Thr; replaces alanine 526 with threonine.
Molecular consequence: missense variant.
Genome position (GRCh38, 1-based): chr11:64,804,591, C>T on the plus strand (G>A on the coding strand, the complement: MEN1 is on the minus strand). VCF-style: chr11-64804591-C-T. GRCh37 (hg19) VCF-style: chr11-64572063-C-T.
Other names: c.1591G>A, p.Ala531Thr (NM_130801.3, NM_130802.3, NM_130803.3 and 3 more transcripts); c.1702G>A, p.Ala568Thr (NM_001370251.2); c.1576G>A, p.Ala526Thr (NM_001370260.2, NM_001370261.2, NM_130799.3); c.1471G>A, p.Ala491Thr (NM_001370262.2, NM_001370263.2); c.1576G>A (NM_130799.2); short protein forms A491T, A526T, A568T, A531T.
Identifiers: ClinVar variation 1348008 (VCV001348008.10), dbSNP rs1295193195, ClinGen allele CA381178392.
Genomic context (GRCh38, chr11:64,804,591, plus strand): 5'-GCGGTGGTGATGCTGTGGGTGCTGGCACCTGAGCCGTGCTGCCACCTTCAGGGCCTCGGG[C>T]TGTGCCAGCGACAGTCCCAGGAGGCTTCCGGGGGGGTCCTGACACTGCACCCTGGCCGGT-3'
Protein context (NP_001357188.2, residues 516-536): RKPPGTVAGT[Ala526Thr]RGPEGGSTAQ

ClinVar aggregate classification (germline): Conflicting classifications of pathogenicity. Review status: criteria provided, conflicting classifications (1 of 4 stars). 2 submissions from 2 submitters: Uncertain significance (1); Likely benign (1). Last evaluated 2025-08-29.

Conditions:
Hereditary cancer-predisposing syndrome. Also called: Hereditary Cancer Syndrome; Neoplastic Syndromes, Hereditary; Tumor predisposition; Hereditary neoplastic syndrome. Identifiers: Orphanet 140162, MedGen C0027672, MeSH D009386, MONDO:0015356.
Multiple endocrine neoplasia, type 1 (MEN1). Also called: MEN I; WERMER SYNDROME; MEA I; Endocrine adenomatosis multiple; MEN 1. Identifiers: Orphanet 652, MedGen C0025267, MeSH D018761, MONDO:0007540, OMIM 131100.

Allele frequency attached by ClinVar (database versions not stated): gnomAD exomes below 0.00001 and 0.00001.
gnomAD v4.1: 4 of 1,611,850 alleles (0.00025%); highest among the groups gnomAD compares: East Asian, 0.0067%; no homozygotes.

Submissions (2):

Labcorp Genetics (formerly Invitae), Labcorp
Classification: Likely benign for Multiple endocrine neoplasia, type 1. Last evaluated: 2025-08-29. Review status: criteria provided, single submitter. Criteria: Invitae Variant Classification Sherloc (09022015). Collection method: clinical testing. Allele origin: germline.

Ambry Genetics
Classification: Uncertain significance for Hereditary cancer-predisposing syndrome. Last evaluated: 2024-12-01. Review status: criteria provided, single submitter. Criteria: Ambry Variant Classification Scheme 2023. Collection method: clinical testing. Allele origin: germline.
Comment: The p.A526T variant (also known as c.1576G>A), located in coding exon 9 of the MEN1 gene, results from a G to A substitution at nucleotide position 1576. The alanine at codon 526 is replaced by threonine, an amino acid with similar properties. This amino acid position is conserved. In addition, this alteration is predicted to be tolerated by in silico analysis. Based on the available evidence, the clinical significance of this variant remains unclear.